The following is an entry in ClinVar:

NM_000548.5(TSC2):c.3177C>A (p.Thr1059=)

Gene: TSC2 (TSC complex subunit 2; plus strand). Cytogenetic location: 16p13.3.
Variant type: single nucleotide variant.
Coding change: c.3177C>A on transcript NM_000548.5 (MANE Select); coding-DNA position 3177, C replaced by A.
Protein change: p.Thr1059=; no amino-acid change (threonine 1059 retained).
Molecular consequence: synonymous variant. On other transcripts: non-coding transcript variant (5).
Genome position (GRCh38, 1-based): chr16:2,079,321, C>A. VCF-style: chr16-2079321-C-A. GRCh37 (hg19) VCF-style: chr16-2129322-C-A.
Other names: c.3027C>A, p.Thr1009= (NM_001406676.1); c.2988C>A, p.Thr996= (NM_001406677.1); c.2934C>A, p.Thr978= (NM_001406678.1); c.3045C>A, p.Thr1015= (NM_001077183.3, NM_001370404.1, NM_001406665.1); c.3177C>A, p.Thr1059= (NM_001114382.3); c.2937C>A, p.Thr979= (NM_001318827.2); c.2901C>A, p.Thr967= (NM_001318829.2); c.2445C>A, p.Thr815= (NM_001318831.2, NM_001406687.1, NM_001406688.1); and 18 more.
Identifiers: ClinVar variation 4071359 (VCV004071359.1).

ClinVar aggregate classification (germline): Benign (1 of 4 stars; one submission).

Conditions:
Tuberous sclerosis 2 (TSC2). Identifiers: Orphanet 805, MedGen C1860707, MONDO:0013199, OMIM 613254.

Submission:

Myriad Genetics, Inc.
Classification: Benign for Tuberous sclerosis 2. Last evaluated: 2025-05-28. Review status: criteria provided, single submitter. Criteria: Myriad Autosomal Dominant, Autosomal Recessive and X-Linked Classification Criteria (2023). Collection method: clinical testing. Allele origin: unknown.
Comment: This variant is considered benign. This variant is a silent/synonymous amino acid change and it is not expected to impact splicing.